The following is an entry in ClinVar:

NM_001199753.2(CPT1C):c.2312G>A (p.Arg771Gln)

Gene: CPT1C (carnitine palmitoyltransferase 1C; plus strand). Cytogenetic location: 19q13.33.
Variant type: single nucleotide variant.
Coding change: c.2312G>A on transcript NM_001199753.2 (MANE Select); coding-DNA position 2312, G replaced by A.
Protein change: p.Arg771Gln; replaces arginine 771 with glutamine.
Molecular consequence: missense variant. On other transcripts: non-coding transcript variant (1).
Genome position (GRCh38, 1-based): chr19:49,713,505, G>A. VCF-style: chr19-49713505-G-A. GRCh37 (hg19) VCF-style: chr19-50216762-G-A.
Other names: c.2312G>A (NM_001199752.1); c.2279G>A, p.Arg760Gln (NM_001136052.3, NM_001378485.1); c.2312G>A, p.Arg771Gln (NM_001199752.3, NM_001378483.1, NM_001378484.1 and 1 more transcripts); c.2378G>A, p.Arg793Gln (NM_001378482.1); c.2177G>A, p.Arg726Gln (NM_001378486.1, NM_001378488.1); c.2144G>A, p.Arg715Gln (NM_001378487.1); short protein forms R760Q, R726Q, R771Q, R715Q, R793Q.
Identifiers: ClinVar variation 2042313 (VCV002042313.5), dbSNP rs1414859947, ClinGen allele CA406910577.

ClinVar aggregate classification (germline): Uncertain significance. Review status: criteria provided, multiple submitters, no conflicts (2 of 4 stars). 2 submissions from 2 submitters: Uncertain significance (2). Last evaluated 2025-08-29.

Conditions:
Hereditary spastic paraplegia 73. Also called: Spastic paraplegia 73, autosomal dominant. Identifiers: Orphanet 444099, MedGen C5568981, MONDO:0014568, OMIM 616282.

Allele frequency attached by ClinVar (database versions not stated): TOPMed 0.00004.
gnomAD v4.1: 13 of 1,614,196 alleles (0.00081%); highest among the groups gnomAD compares: Non-Finnish European, 0.00093%; no homozygotes.

Submissions (2):

Ambry Genetics
Classification: Uncertain significance. Last evaluated: 2025-08-29. Review status: criteria provided, single submitter. Criteria: Ambry Variant Classification Scheme 2023. Collection method: clinical testing. Allele origin: germline.

Labcorp Genetics (formerly Invitae), Labcorp
Classification: Uncertain significance for Hereditary spastic paraplegia 73. Last evaluated: 2023-10-19. Review status: criteria provided, single submitter. Criteria: Invitae Variant Classification Sherloc (09022015). Collection method: clinical testing. Allele origin: germline.
Comment: This sequence change replaces arginine, which is basic and polar, with glutamine, which is neutral and polar, at codon 760 of the CPT1C protein (p.Arg760Gln). This variant is present in population databases (no rsID available, gnomAD 0.002%). This variant has not been reported in the literature in individuals affected with CPT1C-related conditions. ClinVar contains an entry for this variant (Variation ID: 2042313). Algorithms developed to predict the effect of missense changes on protein structure and function output the following: SIFT: "Not Available"; PolyPhen-2: "Benign"; Align-GVGD: "Not Available". The glutamine amino acid residue is found in multiple mammalian species, which suggests that this missense change does not adversely affect protein function. In summary, the available evidence is currently insufficient to determine the role of this variant in disease. Therefore, it has been classified as a Variant of Uncertain Significance.